The following is an entry in ClinVar:

ClinVar aggregate classification (germline): Pathogenic (1 of 4 stars; one submission).

Submission:

Labcorp Genetics (formerly Invitae), Labcorp
Classification: Pathogenic. Last evaluated: 2023-06-24. Review status: criteria provided, single submitter. Criteria: Invitae Variant Classification Sherloc (09022015). Collection method: clinical testing. Allele origin: unknown.
Comment: For these reasons, this variant has been classified as Pathogenic. Isolated whole-gene deletion of IHH have not been reported in the literature. However, larger copy number events that include this gene have been reported (PMID: 27966732). A gross deletion of the genomic region encompassing the full coding sequence of the IHH gene has been identified. Loss-of-function variants in IHH are known to be pathogenic (PMID: 11455389, 19277064). The boundaries of this event are unknown as they extend beyond the assayed region for this gene and therefore may encompass additional genes.

Literature cited by the submitters: PubMed 27966732; PubMed 11455389; PubMed 19277064.

NC_000002.11:g.(?_219919929)_(219942948_?)del

Genes: IHH (Indian hedgehog signaling molecule; minus strand), NHEJ1 (non-homologous end joining factor 1; minus strand). Cytogenetic location: 2q35.
Variant type: Deletion.
Identifiers: ClinVar variation 3247493 (VCV003247493.1).